The following is an entry in ClinVar:

ClinVar aggregate classification (germline): Uncertain significance. Review status: criteria provided, multiple submitters, no conflicts (2 of 4 stars). 2 submissions from 2 submitters: Uncertain significance (2). Last evaluated 2025-11-07.

Conditions:
Inborn genetic diseases. Identifiers: MedGen C0950123, MeSH D030342.

Allele frequency attached by ClinVar (database versions not stated): gnomAD 0.00003; TOPMed 0.00002; gnomAD exomes 0.00001.
gnomAD v4.1: 13 of 1,549,436 alleles (0.00084%); highest among the groups gnomAD compares: African/African-American, 0.0014%; no homozygotes.

Submissions (2):

Ambry Genetics
Classification: Uncertain significance for Inborn genetic diseases. Last evaluated: 2025-11-07. Review status: criteria provided, single submitter. Criteria: Ambry Variant Classification Scheme 2023. Collection method: clinical testing. Allele origin: germline.

GeneDx
Classification: Uncertain significance. Last evaluated: 2017-03-30. Review status: criteria provided, single submitter. Criteria: GeneDx Variant Classification (06012015). Collection method: clinical testing. Allele origin: germline. Affected: yes.
Comment: The N1222S variant in the PIEZO1 gene has not been reported previously as a pathogenic variant, nor as a benign variant, to our knowledge. The N1222S variant is not observed in large population cohorts (Lek et al., 2016; 1000 Genomes Consortium et al., 2015; Exome Variant Server). The N1222S variant is a conservative amino acid substitution, which is not likely to impact secondary protein structure as these residues share similar properties. However, this substitution occurs at a position that is conserved across species and in silico analysis predicts this variant is probably damaging to the protein structure/function. We interpret N1222S as a variant of uncertain significance.

NM_001142864.4(PIEZO1):c.3665A>G (p.Asn1222Ser)

Gene: PIEZO1 (piezo type mechanosensitive ion channel component 1 (Er blood group); minus strand). Cytogenetic location: 16q24.3.
Variant type: single nucleotide variant.
Coding change: c.3665A>G on transcript NM_001142864.4 (MANE Select); coding-DNA position 3665, A replaced by G.
Protein change: p.Asn1222Ser; replaces asparagine 1222 with serine.
Molecular consequence: missense variant.
Genome position (GRCh38, 1-based): chr16:88,726,749, T>C on the plus strand (A>G on the coding strand, the complement: PIEZO1 is on the minus strand). VCF-style: chr16-88726749-T-C. GRCh37 (hg19) VCF-style: chr16-88793157-T-C.
Other names: c.3665A>G, p.Asn1222Ser (LRG_1137t1); short protein forms N1222S.
Identifiers: ClinVar variation 424595 (VCV000424595.3), dbSNP rs1064797060, ClinGen allele CA16620291.